The following is an entry in ClinVar:

ClinVar aggregate classification (germline): Uncertain significance (1 of 4 stars; one submission).

Conditions:
Episodic ataxia type 2 (EA2). Also called: CEREBELLAR ATAXIA, PAROXYSMAL, ACETAZOLAMIDE-RESPONSIVE; CEREBELLOPATHY, HEREDITARY PAROXYSMAL; EPISODIC ATAXIA, NYSTAGMUS-ASSOCIATED; ACETAZOLAMIDE-RESPONSIVE HEREDITARY PAROXYSMAL CEREBELLAR ATAXIA; ATAXIA, EPISODIC, WITH NYSTAGMUS; ATAXIA, FAMILIAL PAROXYSMAL. Identifiers: Orphanet 97, MedGen C1720416, MONDO:0007163, OMIM 108500.
Developmental and epileptic encephalopathy, 42 (DEE42A). Also called: Epileptic encephalopathy, early infantile, 42; DEVELOPMENTAL AND EPILEPTIC ENCEPHALOPATHY 42A; EPILEPTIC ENCEPHALOPATHY, EARLY INFANTILE, 42A. Identifiers: MedGen C4310716, MONDO:0014917, OMIM 617106.

Allele frequency attached by ClinVar (database versions not stated): gnomAD exomes below 0.00001; TOPMed 0.00001.
gnomAD v4.1: 4 of 1,578,828 alleles (0.00025%); highest among the groups gnomAD compares: African/African-American, 0.0054%; no homozygotes.

Submission:

Labcorp Genetics (formerly Invitae), Labcorp
Classification: Uncertain significance for Developmental and epileptic encephalopathy, 42; Episodic ataxia type 2. Last evaluated: 2023-02-11. Review status: criteria provided, single submitter. Criteria: Invitae Variant Classification Sherloc (09022015). Collection method: clinical testing. Allele origin: germline.
Comment: This sequence change falls in intron 19 of the CACNA1A gene. It does not directly change the encoded amino acid sequence of the CACNA1A protein. It affects a nucleotide within the consensus splice site. In summary, the available evidence is currently insufficient to determine the role of this variant in disease. Therefore, it has been classified as a Variant of Uncertain Significance. Variants that disrupt the consensus splice site are a relatively common cause of aberrant splicing (PMID: 17576681, 9536098). Algorithms developed to predict the effect of sequence changes on RNA splicing suggest that this variant is not likely to affect RNA splicing. This variant has not been reported in the literature in individuals affected with CACNA1A-related conditions. This variant is not present in population databases (gnomAD no frequency).

Literature cited by the submitters: PubMed 17576681; PubMed 9536098.

NM_001127222.2(CACNA1A):c.3090-3C>T

Gene: CACNA1A (calcium voltage-gated channel subunit alpha1 A; minus strand). Cytogenetic location: 19p13.13.
Variant type: single nucleotide variant.
Coding change: c.3090-3C>T on transcript NM_001127222.2 (MANE Select); 3 bases into the intron before coding-DNA position 3090, C replaced by T.
Molecular consequence: intron variant.
Genome position (GRCh38, 1-based): chr19:13,286,969, G>A on the plus strand (C>T on the coding strand, the complement: CACNA1A is on the minus strand). VCF-style: chr19-13286969-G-A. GRCh37 (hg19) VCF-style: chr19-13397783-G-A.
Other names: c.3093-3C>T (NM_001127221.2, NM_001174080.2); c.3102-3C>T (NM_000068.4, NM_023035.3).
Identifiers: ClinVar variation 2935031 (VCV002935031.3), dbSNP rs2057416123, ClinGen allele CA2323820310.